The following is an entry in ClinVar:

NM_014844.5(TECPR2):c.1666A>G (p.Met556Val)

Gene: TECPR2 (tectonin beta-propeller repeat containing 2; plus strand). Cytogenetic location: 14q32.31.
Variant type: single nucleotide variant.
Coding change: c.1666A>G on transcript NM_014844.5 (MANE Select); coding-DNA position 1666, A replaced by G.
Protein change: p.Met556Val; replaces methionine 556 with valine.
Molecular consequence: missense variant.
Genome position (GRCh38, 1-based): chr14:102,434,483, A>G. VCF-style: chr14-102434483-A-G. GRCh37 (hg19) VCF-style: chr14-102900820-A-G.
Other names: c.1666A>G, p.Met556Val (NM_001172631.3); short protein forms M556V.
Identifiers: ClinVar variation 1306677 (VCV001306677.4), dbSNP rs201791953, ClinGen allele CA7357768.

ClinVar aggregate classification (germline): Conflicting classifications of pathogenicity. Review status: criteria provided, conflicting classifications (1 of 4 stars). 3 submissions from 3 submitters: Uncertain significance (2); Likely benign (1). Last evaluated 2022-12-28.

Conditions:
Hereditary spastic paraplegia 49 (HSAN9). Also called: NEUROPATHY, HEREDITARY SENSORY AND AUTONOMIC, TYPE IX, WITH DEVELOPMENTAL DELAY; Spastic paraplegia 49, autosomal recessive; TECPR2-Related Hereditary Sensory and Autonomic Neuropathy with Intellectual Disability. Identifiers: Orphanet 320385, MedGen C5190860, MONDO:0014016, OMIM 615031.
Inborn genetic diseases. Identifiers: MedGen C0950123, MeSH D030342.

Allele frequency attached by ClinVar (database versions not stated): ESP Exome Variant Server 0.00015.
gnomAD v4.1: 52 of 1,561,148 alleles (0.0033%); highest among the groups gnomAD compares: Non-Finnish European, 0.0044%; no homozygotes.

Submissions (3):

Ambry Genetics
Classification: Likely benign for Inborn genetic diseases. Last evaluated: 2022-12-28. Review status: criteria provided, single submitter. Criteria: Ambry Variant Classification Scheme 2023. Collection method: clinical testing. Allele origin: germline.

Labcorp Genetics (formerly Invitae), Labcorp
Classification: Uncertain significance for Hereditary spastic paraplegia 49. Last evaluated: 2022-07-30. Review status: criteria provided, single submitter. Criteria: Invitae Variant Classification Sherloc (09022015). Collection method: clinical testing. Allele origin: germline.
Comment: This sequence change replaces methionine, which is neutral and non-polar, with valine, which is neutral and non-polar, at codon 556 of the TECPR2 protein (p.Met556Val). This variant is present in population databases (rs201791953, gnomAD 0.004%). This variant has not been reported in the literature in individuals affected with TECPR2-related conditions. ClinVar contains an entry for this variant (Variation ID: 1306677). Algorithms developed to predict the effect of missense changes on protein structure and function output the following: SIFT: "Tolerated"; PolyPhen-2: "Benign"; Align-GVGD: "Class C0". The valine amino acid residue is found in multiple mammalian species, which suggests that this missense change does not adversely affect protein function. In summary, the available evidence is currently insufficient to determine the role of this variant in disease. Therefore, it has been classified as a Variant of Uncertain Significance.

GeneDx
Classification: Uncertain significance. Last evaluated: 2019-02-26. Review status: criteria provided, single submitter. Criteria: GeneDx Variant Classification Process June 2021. Collection method: clinical testing. Allele origin: germline. Affected: yes.
Comment: Not observed at a significant frequency in large population cohorts (Lek et al., 2016); In silico analysis, which includes protein predictors and evolutionary conservation, supports that this variant does not alter protein structure/function; Has not been previously published as pathogenic or benign to our knowledge